The following is an entry in ClinVar:

ClinVar aggregate classification (germline): Conflicting classifications of pathogenicity. Review status: criteria provided, conflicting classifications (1 of 4 stars). 13 submissions from 13 submitters: Pathogenic (6); Likely pathogenic (5); Uncertain significance (1). 1 of the submissions does not count toward it. Last evaluated 2026-09-18.

Conditions:
Autosomal dominant Alport syndrome (ATS3A). Also called: Alport syndrome dominant type; Renal failure and sensorineural hearing loss; ALPORT SYNDROME 3A, AUTOSOMAL DOMINANT. Identifiers: Orphanet 63, Orphanet 88918, MedGen C5882663, MONDO:0007086, OMIM 104200.
Hematuria, benign familial, 2 (BFH2). Identifiers: MedGen C5830421, MONDO:0958186, OMIM 620320.
Alport syndrome 3b, autosomal recessive. Identifiers: MedGen C5882699, MONDO:0957811, OMIM 620536.
COL4A3-related disorder. Also called: COL4A3-Related Disorders; COL4A3-related condition.
Alport syndrome. Also called: Hemorrhagic familial nephritis; Hemorrhagic hereditary nephritis; Congenital hereditary hematuria. Identifiers: Orphanet 63, MedGen C1567741, MONDO:0018965.
Autosomal recessive Alport syndrome (ATS2). Also called: COL4A3-Related Nephropathy; COL4A4 Alport Syndrome and Thin Basement Membrane Nephropathy; ALPORT SYNDROME 2, AUTOSOMAL RECESSIVE; Alport syndrome type 2. Identifiers: Orphanet 63, Orphanet 88919, MedGen C4746745, MONDO:0008762, OMIM 203780.

Allele frequency attached by ClinVar (database versions not stated): gnomAD 0.00001; gnomAD exomes 0.00001 and 0.00003; ExAC 0.00002; TOPMed 0.00003.
gnomAD v4.1: 19 of 1,613,654 alleles (0.0012%); highest among the groups gnomAD compares: Admixed American, 0.015%; no homozygotes.

Submissions (13):

PreventionGenetics, part of Exact Sciences
Classification: Pathogenic for COL4A3-related condition. Last evaluated: 2026-09-18. Review status: criteria provided, single submitter. Criteria: ACMG Guidelines, 2015. Collection method: clinical testing. Allele origin: germline.
Comment: The COL4A3 c.343G>A variant is predicted to result in the amino acid substitution p.Gly115Arg. This variant affects a glycine (Gly) residue of the conserved triple helical domain (residues 43-1438) of the COL4A3 protein, where substitutions of the glycine (Gly) residue are usually pathogenic (Hudson et al. 1993. PubMed ID: 8253711). This variant has been reported in the heterozygous state in an individual with autosomal dominant Alport syndrome (Table S3, Bullich et al. 2018. PubMed ID: 29801666), and it has been reported along with a second pathogenic COL4A3 variant a family with autosomal recessive Alport syndrome (Table S1, Uliana et al. 2020. PubMed ID: 33369211). In addition, at PreventionGenetics, we have found this variant in presumably unrelated patients tested for glomerular kidney disease or hearing loss (internal data). This variant is reported in 0.017% of alleles in individuals of Latino descent in gnomAD. This variant is interpreted as pathogenic for both autosomal dominant and recessive COL4A3-related Alport syndrome spectrum disorders.

Women's Health and Genetics/Laboratory Corporation of America, LabCorp
Classification: Pathogenic for Autosomal recessive Alport syndrome. Last evaluated: 2026-02-09. Review status: criteria provided, single submitter. Criteria: LabCorp Variant Classification Summary - May 2015. Collection method: clinical testing. Allele origin: germline.
Comment: Variant summary: COL4A3 c.343G>A (p.Gly115Arg) results in a non-conservative amino acid change in the encoded protein sequence. Algorithms developed to predict the effect of missense changes on protein structure and function all suggest that this variant is likely to be disruptive. The variant allele was found at a frequency of 2.8e-05 in 249438 control chromosomes. c.343G>A has been observed in multiple individuals affected with Alport Syndrome (Bullich_2018, Uliana_2021, Furlano_2021, Blasco_2024, Pagniez_2025). These data indicate that the variant is very likely to be associated with disease. To our knowledge, no experimental evidence demonstrating an impact on protein function has been reported. The following publications have been ascertained in the context of this evaluation (PMID: 38972501, 29801666, 33838161, 39810285, 33369211). ClinVar contains an entry for this variant (Variation ID: 599069). Based on the evidence outlined above, the variant was classified as pathogenic.

Variantyx, Inc.
Classification: Likely pathogenic for Alport syndrome 3b, autosomal recessive. Last evaluated: 2026-01-12. Review status: criteria provided, single submitter. Criteria: Variantyx Assertion Criteria 2022. Collection method: clinical testing. Allele origin: germline. Inheritance: Autosomal recessive inheritance. Affected: no.
Comment: This is a nonsynonymous variant in the COL4A3 gene (OMIM: 120070). Pathogenic variants in this gene have been associated with autosomal recessive Alport syndrome 3B. This variant has been identified in the compound heterozygous state in one individual reported in the published literature (PMID: 33369211) (PM3). It lies within a known hotspot for pathogenic variants or a well-established critical functional domain of the COL4A3 protein (PMID: 31306228) (PM1), and multiple computational algorithms predict a deleterious effect for this variant (REVEL score: 0.925) (PP3). This variant has a 0.0150% maximum allele frequency in non-founder control populations (PM2). Based on the current evidence, this variant is classified as likely pathogenic for autosomal recessive Alport syndrome 3B.

Labcorp Genetics (formerly Invitae), Labcorp
Classification: Likely pathogenic. Last evaluated: 2025-11-01. Review status: criteria provided, single submitter. Criteria: Invitae Variant Classification Sherloc (09022015). Collection method: clinical testing. Allele origin: germline.
Comment: This sequence change replaces glycine, which is neutral and non-polar, with arginine, which is basic and polar, at codon 115 of the COL4A3 protein (p.Gly115Arg). This variant is present in population databases (rs202147112, gnomAD 0.02%). This missense change has been observed in individuals with autosomal dominant and recessive Alport syndrome (PMID: 29801666, 33369211, 33838161, 39810285). ClinVar contains an entry for this variant (Variation ID: 599069). Invitae Evidence Modeling of protein sequence and biophysical properties (such as structural, functional, and spatial information, amino acid conservation, physicochemical variation, residue mobility, and thermodynamic stability) has been performed for this missense variant. However, the output from this modeling did not meet the statistical confidence thresholds required to predict the impact of this variant on COL4A3 protein function. In summary, the currently available evidence indicates that the variant is pathogenic, but additional data are needed to prove that conclusively. Therefore, this variant has been classified as Likely Pathogenic.

Victorian Clinical Genetics Services, Murdoch Childrens Research Institute
Classification: Pathogenic for Alport syndrome. Last evaluated: 2025-10-21. Review status: criteria provided, single submitter. Criteria: ACMG Guidelines, 2015. Collection method: clinical testing. Allele origin: germline. Affected: yes.
Comment: This variant is classified as Pathogenic. Evidence in support of pathogenic classification: Variant is present in gnomAD <0.01 (v4: 19 heterozygote(s), 0 homozygote(s)); This variant has strong previous evidence of pathogenicity in unrelated individuals. This variant has been classified multiple times as likely pathogenic and once each as pathogenic and a VUS by a clinical laboratory in ClinVar. It has been observed both in heterozygous individuals and compound heterozygous individuals with Alport syndrome (ClinVar, PMID: 33369211, PMID: 33838161); Variant is located in the well-established functional Gly-X-Y motif in the collagen triple helical domain (DECIPHER); Missense variant predicted to be damaging by in silico tool(s) or highly conserved with a major amino acid change. Additional information: Variant is predicted to result in a missense amino acid change from Gly to Arg; This variant is heterozygous; This gene is associated with both recessive and dominant Alport syndrome (MONDO:0018965), COL4A3-related; Alternative amino acid change(s) at the same position are present in gnomAD (Highest allele count: v4: 1 heterozygote(s), 0 homozygote(s)) ; Loss of function is a known mechanism of disease for this gene and is associated with Alport syndrome (MONDO:0018965), COL4A3-related. Dominant negative is a suspected mechanism of disease for glycine changes that are part of a G-X-Y repeat in the triple helix of a collagen domain (PMIDs: 12028435, 24046192, 38214412); Inheritance information for this variant is not currently available in this individual.

Natera, Inc.
Classification: Pathogenic for Alport syndrome. Last evaluated: 2025-09-11. Review status: criteria provided, single submitter. Criteria: Natera Variant Classification Schema (03/2026). Collection method: clinical testing. Allele origin: germline.
Comment: The c.343G>A variant in COL4A3 is a missense variant predicted to cause substitution of glycine to arginine at amino acid 115. This variant is rare in the general population with a frequency below the threshold expected for the associated phenotype(s). This variant has been observed in one or more individuals affected with the associated recessive disease, as either homozygous or compound heterozygous with a second variant (PMID: 33369211). This variant has been observed in affected individual(s) with monoallelic occurrence (heterozygous/hemizygous) (PMID: 29801666, 39810285). This variant is located in a functionally critical region of the protein. Computational prediction algorithms indicate this variant is likely to affect gene or protein function. Given the available evidence, this variant is classified as Pathogenic.

Laboratory of Prof. Karen Avraham, Tel Aviv University
Classification: Pathogenic for Alport syndrome 3b, autosomal recessive. Last evaluated: 2024-09-18. Review status: criteria provided, single submitter. Criteria: ACMG Guidelines, 2015. Collection method: research. Allele origin: germline. Inheritance: Autosomal recessive inheritance. Affected: yes. Observed: 1 variant allele.
Comment: The c.343G>A:p.(Gly115Arg) variant was previously classified as LP and P by deafness variation database and by several ClinVar submissions.

GeneDx
Classification: Uncertain significance. Last evaluated: 2024-09-10. Review status: criteria provided, single submitter. Criteria: GeneDx Variant Classification Process June 2021. Collection method: clinical testing. Allele origin: germline. Affected: yes.
Comment: Reported in a patient with microhematuria and suspected familial Alport syndrome in published literature; variant was reported to be paternally inherited but additional clinical information on the family was not provided (PMID: 29801666); In silico analysis supports that this missense variant has a deleterious effect on protein structure/function; Affects a glycine residue in a Gly-X-Y motif in the triple helical region of the COL4A3 gene; This variant is associated with the following publications: (PMID: 33369211, 29801666)

Fulgent Genetics
Classification: Likely pathogenic for Autosomal dominant Alport syndrome; Hematuria, benign familial, 2; Alport syndrome 3b, autosomal recessive. Last evaluated: 2024-04-24. Review status: criteria provided, single submitter. Criteria: ACMG Guidelines, 2015. Collection method: clinical testing. Allele origin: germline.

Revvity Omics, Revvity
Classification: Likely pathogenic. Last evaluated: 2022-02-15. Review status: criteria provided, single submitter. Criteria: ACMG Guidelines, 2015. Collection method: clinical testing. Allele origin: germline.

Medical Genetics, University of Parma
Classification: Likely pathogenic for Autosomal recessive Alport syndrome. Last evaluated: 2020-03-11. Review status: criteria provided, single submitter. Criteria: ACMG Guidelines, 2015. Collection method: clinical testing. Allele origin: germline. Affected: yes.

Clinical Genetics Service, Universitary Hospital 12 de Octubre
Classification: Pathogenic for Autosomal dominant Alport syndrome. Review status: criteria provided, single submitter. Criteria: ACMG Guidelines, 2015. Collection method: clinical testing. Allele origin: germline. Affected: yes.

Bioscientia Institut fuer Medizinische Diagnostik GmbH, Sonic Healthcare
Classification: Likely pathogenic for Autosomal dominant Alport syndrome. Last evaluated: 2018-01-17. Review status: no assertion criteria provided. Collection method: clinical testing. Allele origin: germline. Affected: yes. Not counted in ClinVar's aggregate classification.

Literature cited by the submitters: PubMed 29801666 (cited by 3 submitters); PubMed 33838161 (cited by 3 submitters); PubMed 33369211 (cited by 5 submitters); PubMed 38972501 (cited by Women's Health and Genetics/Laboratory Corporation of America, LabCorp); PubMed 39810285 (cited by 3 submitters); PubMed 31306228 (cited by Variantyx, Inc.); PubMed 24046192 (cited by Victorian Clinical Genetics Services, Murdoch Childrens Research Institute); PubMed 12028435 (cited by Victorian Clinical Genetics Services, Murdoch Childrens Research Institute); PubMed 38214412 (cited by Victorian Clinical Genetics Services, Murdoch Childrens Research Institute).

NM_000091.5(COL4A3):c.343G>A (p.Gly115Arg)

Genes: COL4A3 (collagen type IV alpha 3 chain; plus strand), MFF-DT (MFF divergent transcript; minus strand). Cytogenetic location: 2q36.3.
Variant type: single nucleotide variant.
Coding change: c.343G>A on transcript NM_000091.5 (MANE Select); coding-DNA position 343, G replaced by A.
Protein change: p.Gly115Arg; replaces glycine 115 with arginine.
Molecular consequence: missense variant.
Genome position (GRCh38, 1-based): chr2:227,245,972, G>A. VCF-style: chr2-227245972-G-A. GRCh37 (hg19) VCF-style: chr2-228110688-G-A.
Other names: short protein forms G115R.
Identifiers: ClinVar variation 599069 (VCV000599069.25), dbSNP rs202147112, ClinGen allele CA2146058.